The following is an entry in ClinVar:

ClinVar aggregate classification (germline): Uncertain significance. Review status: criteria provided, multiple submitters, no conflicts (2 of 4 stars). 5 submissions from 5 submitters: Uncertain significance (5). Last evaluated 2025-01-31.

Conditions:
Hereditary spastic paraplegia 74. Also called: Spastic paraplegia 74, autosomal recessive. Identifiers: Orphanet 468661, MedGen C5568837, MONDO:0014644, OMIM 616451.
Multiple mitochondrial dysfunctions syndrome 3 (MMDS3). Identifiers: Orphanet 363424, MedGen C3809165, MONDO:0014132, OMIM 615330.
Inborn genetic diseases. Identifiers: MedGen C0950123, MeSH D030342.

Allele frequency attached by ClinVar (database versions not stated): TOPMed 0.00003; ExAC 0.00005; gnomAD exomes 0.00007; ESP Exome Variant Server 0.00015.
gnomAD v4.1: 97 of 1,612,622 alleles (0.006%); highest among the groups gnomAD compares: Non-Finnish European, 0.0079%; no homozygotes.

Submissions (5):

GeneDx
Classification: Uncertain significance. Last evaluated: 2025-01-31. Review status: criteria provided, single submitter. Criteria: GeneDx Variant Classification Process June 2021. Collection method: clinical testing. Allele origin: germline. Affected: yes.
Comment: Has not been previously published as pathogenic or benign to our knowledge; In silico analysis supports that this missense variant has a deleterious effect on protein structure/function

Blueprint Genetics
Classification: Uncertain significance. Last evaluated: 2024-09-05. Review status: criteria provided, single submitter. Criteria: ACMG Guidelines, 2015. Collection method: clinical testing. Allele origin: germline.

Mayo Clinic Laboratories, Mayo Clinic
Classification: Uncertain significance. Last evaluated: 2023-07-17. Review status: criteria provided, single submitter. Criteria: ACMG Guidelines, 2015. Collection method: clinical testing. Allele origin: germline. Observed: 1 variant allele.
Comment: PM2_moderate

Labcorp Genetics (formerly Invitae), Labcorp
Classification: Uncertain significance for Multiple mitochondrial dysfunctions syndrome 3; Hereditary spastic paraplegia 74. Last evaluated: 2023-05-03. Review status: criteria provided, single submitter. Criteria: Invitae Variant Classification Sherloc (09022015). Collection method: clinical testing. Allele origin: germline.
Comment: An algorithm developed to predict the effect of missense changes on protein structure and function (PolyPhen-2) suggests that this variant is likely to be disruptive. ClinVar contains an entry for this variant (Variation ID: 1005540). This variant has not been reported in the literature in individuals affected with IBA57-related conditions. The frequency data for this variant in the population databases is considered unreliable, as metrics indicate poor data quality at this position in the gnomAD database. This sequence change replaces methionine, which is neutral and non-polar, with valine, which is neutral and non-polar, at codon 250 of the IBA57 protein (p.Met250Val). In summary, the available evidence is currently insufficient to determine the role of this variant in disease. Therefore, it has been classified as a Variant of Uncertain Significance.

Ambry Genetics
Classification: Uncertain significance for Inborn genetic diseases. Last evaluated: 2023-02-27. Review status: criteria provided, single submitter. Criteria: Ambry Variant Classification Scheme 2023. Collection method: clinical testing. Allele origin: germline.

NM_001010867.4(IBA57):c.748A>G (p.Met250Val)

Gene: IBA57 (iron-sulfur cluster assembly factor IBA57; plus strand). Cytogenetic location: 1q42.13.
Variant type: single nucleotide variant.
Coding change: c.748A>G on transcript NM_001010867.4 (MANE Select); coding-DNA position 748, A replaced by G.
Protein change: p.Met250Val; replaces methionine 250 with valine.
Molecular consequence: missense variant.
Genome position (GRCh38, 1-based): chr1:228,175,190, A>G. VCF-style: chr1-228175190-A-G. GRCh37 (hg19) VCF-style: chr1-228362891-A-G.
Other names: p.Met250Val; c.169A>G, p.Met57Val (NM_001310327.2); short protein forms M250V, M57V.
Identifiers: ClinVar variation 1005540 (VCV001005540.17), dbSNP rs370640121, ClinGen allele CA1431241.